The following is an entry in ClinVar:

ClinVar aggregate classification (germline): Uncertain significance (1 of 4 stars; one submission).

Conditions:
Nephronophthisis 15 (NPHP15). Identifiers: Orphanet 3156, MedGen C3541853, MONDO:0013917, OMIM 614845.

gnomAD v4.1: 25 of 1,613,824 alleles (0.0015%); highest among the groups gnomAD compares: Middle Eastern, 0.017%; no homozygotes.

Submission:

Labcorp Genetics (formerly Invitae), Labcorp
Classification: Uncertain significance for Nephronophthisis 15. Last evaluated: 2022-10-24. Review status: criteria provided, single submitter. Criteria: Invitae Variant Classification Sherloc (09022015). Collection method: clinical testing. Allele origin: germline.
Comment: This sequence change replaces arginine, which is basic and polar, with proline, which is neutral and non-polar, at codon 998 of the CEP164 protein (p.Arg998Pro). This variant is present in population databases (rs562263740, gnomAD 0.002%). This variant has not been reported in the literature in individuals affected with CEP164-related conditions. Algorithms developed to predict the effect of missense changes on protein structure and function (SIFT, PolyPhen-2, Align-GVGD) all suggest that this variant is likely to be disruptive. In summary, the available evidence is currently insufficient to determine the role of this variant in disease. Therefore, it has been classified as a Variant of Uncertain Significance.

NM_014956.5(CEP164):c.2993G>C (p.Arg998Pro)

Gene: CEP164 (centrosomal protein 164; plus strand). Cytogenetic location: 11q23.3.
Variant type: single nucleotide variant.
Coding change: c.2993G>C on transcript NM_014956.5 (MANE Select); coding-DNA position 2993, G replaced by C.
Protein change: p.Arg998Pro; replaces arginine 998 with proline.
Molecular consequence: missense variant.
Genome position (GRCh38, 1-based): chr11:117,395,626, G>C. VCF-style: chr11-117395626-G-C. GRCh37 (hg19) VCF-style: chr11-117266342-G-C.
Other names: c.3002G>C, p.Arg1001Pro (NM_001271933.2); short protein forms R1001P, R998P.
Identifiers: ClinVar variation 2042725 (VCV002042725.1), dbSNP rs562263740, ClinGen allele CA6295298.